The following is an entry in ClinVar:

NM_004247.4(EFTUD2):c.1720-20C>T

Gene: EFTUD2 (elongation factor Tu GTP binding domain containing 2; minus strand). Cytogenetic location: 17q21.31.
Variant type: single nucleotide variant.
Coding change: c.1720-20C>T on transcript NM_004247.4 (MANE Select); 20 bases into the intron before coding-DNA position 1720, C replaced by T.
Molecular consequence: intron variant.
Genome position (GRCh38, 1-based): chr17:44,860,065, G>A on the plus strand (C>T on the coding strand, the complement: EFTUD2 is on the minus strand). VCF-style: chr17-44860065-G-A. GRCh37 (hg19) VCF-style: chr17-42937433-G-A.
Other names: c.1615-20C>T (NM_001142605.2); c.1690-20C>T (NM_001258354.2); c.1720-20C>T (NM_001258353.2).
Identifiers: ClinVar variation 1917607 (VCV001917607.5), dbSNP rs1456359951, ClinGen allele CA626144021.

ClinVar aggregate classification (germline): Uncertain significance (1 of 4 stars; one submission).

Submission:

Labcorp Genetics (formerly Invitae), Labcorp
Classification: Uncertain significance. Last evaluated: 2022-10-19. Review status: criteria provided, single submitter. Criteria: Invitae Variant Classification Sherloc (09022015). Collection method: clinical testing. Allele origin: germline.
Comment: Algorithms developed to predict the effect of sequence changes on RNA splicing suggest that this variant may disrupt the consensus splice site. In summary, the available evidence is currently insufficient to determine the role of this variant in disease. Therefore, it has been classified as a Variant of Uncertain Significance. This variant has not been reported in the literature in individuals affected with EFTUD2-related conditions. This sequence change falls in intron 17 of the EFTUD2 gene. It does not directly change the encoded amino acid sequence of the EFTUD2 protein. This variant is present in population databases (no rsID available, gnomAD 0.003%).